The following is an entry in ClinVar:

NM_014415.4(ZBTB11):c.799C>T (p.Leu267Phe)

Gene: ZBTB11 (zinc finger and BTB domain containing 11; minus strand). Cytogenetic location: 3q12.3.
Variant type: single nucleotide variant.
Coding change: c.799C>T on transcript NM_014415.4 (MANE Select); coding-DNA position 799, C replaced by T.
Protein change: p.Leu267Phe; replaces leucine 267 with phenylalanine.
Molecular consequence: missense variant.
Genome position (GRCh38, 1-based): chr3:101,665,788, G>A on the plus strand (C>T on the coding strand, the complement: ZBTB11 is on the minus strand). VCF-style: chr3-101665788-G-A. GRCh37 (hg19) VCF-style: chr3-101384632-G-A.
Other names: short protein forms L267F.
Identifiers: ClinVar variation 1027864 (VCV001027864.1), dbSNP rs1436155983, ClinGen allele CA353881094.

ClinVar aggregate classification (germline): Uncertain significance (1 of 4 stars; one submission).

Conditions:
Intellectual developmental disorder, autosomal recessive 69 (NEDMCB). Also called: NEURODEVELOPMENTAL DISORDER WITH PROGRESSIVE MOVEMENT ABNORMALITIES, COGNITIVE DECLINE, AND BRAIN ABNORMALITIES. Identifiers: Orphanet 699835, MedGen C5193067, MONDO:0032715, OMIM 618383.

Allele frequency attached by ClinVar (database versions not stated): gnomAD exomes below 0.00001.
gnomAD v4.1: 1 of 1,601,344 alleles (0.000062%); highest among the groups gnomAD compares: South Asian, 0.0011%; no homozygotes.

Submission:

Baylor Genetics
Classification: Uncertain significance for Intellectual developmental disorder, autosomal recessive 69. Last evaluated: 2020-06-09. Review status: criteria provided, single submitter. Criteria: ACMG Guidelines, 2015. Collection method: clinical testing. Allele origin: unknown. Affected: yes.
Comment: This variant was determined to be of uncertain significance according to ACMG Guidelines, 2015 [PMID:25741868].